The following is an entry in ClinVar:

ClinVar aggregate classification (germline): Uncertain significance (1 of 4 stars; one submission).

gnomAD v4.1: 1 of 1,614,094 alleles (0.000062%); highest among the groups gnomAD compares: South Asian, 0.0011%; no homozygotes.

Submissions (2):

Labcorp Genetics (formerly Invitae), Labcorp
Classification: Uncertain significance. Last evaluated: 2025-02-23. Review status: criteria provided, single submitter. Criteria: Invitae Variant Classification Sherloc (09022015). Collection method: clinical testing. Allele origin: germline.
Comment: This sequence change creates a premature translational stop signal (p.Arg604*) in the XPR1 gene. It is expected to result in an absent or disrupted protein product. However, the current clinical and genetic evidence is not sufficient to establish whether loss-of-function variants in XPR1 cause disease. This variant is not present in population databases (gnomAD no frequency). This variant has not been reported in the literature in individuals affected with XPR1-related conditions. In summary, the available evidence is currently insufficient to determine the role of this variant in disease. Therefore, it has been classified as a Variant of Uncertain Significance.

Dr. Peter K. Rogan Lab, Western University
No classification provided (evidence only). Condition: Uterine corpus endometrial carcinoma. Review status: no classification provided. Collection method: in vitro. Allele origin: not applicable. Functional consequence: skipped exon. Not counted in ClinVar's aggregate classification.

NM_004736.4(XPR1):c.1810C>T (p.Arg604Ter)

Gene: XPR1 (xenotropic and polytropic retrovirus receptor 1; plus strand). Cytogenetic location: 1q25.3.
Variant type: single nucleotide variant.
Coding change: c.1810C>T on transcript NM_004736.4 (MANE Select); coding-DNA position 1810, C replaced by T.
Protein change: p.Arg604Ter; replaces arginine 604 with a stop codon.
Molecular consequence: nonsense. On other transcripts: non-coding transcript variant (1).
Genome position (GRCh38, 1-based): chr1:180,880,077, C>T. VCF-style: chr1-180880077-C-T. GRCh37 (hg19) VCF-style: chr1-180849213-C-T.
Other names: NC_000001.10:g.180849213C>T; c.1615C>T, p.Arg539Ter (NM_001135669.2); short protein forms R539*, R604*.
Identifiers: ClinVar variation 4330634 (VCV004330634.2).